The following is an entry in ClinVar:

NM_001007553.3(CSDE1):c.472_476del (p.Ile158fs)

Gene: CSDE1 (cold shock domain containing E1; minus strand). Cytogenetic location: 1p13.2.
Variant type: Microsatellite.
Coding change: c.472_476del on transcript NM_001007553.3 (MANE Select); coding-DNA positions 472 to 476, 5 bases deleted (ATAAA; older notation c.472_476delATAAA).
Protein change: p.Ile158fs; shifts the reading frame from isoleucine 158.
Molecular consequence: frameshift variant.
Genome position (GRCh38, 1-based): chr1:114,736,782-114,736,786, TTTAT deleted on the plus strand (ATAAA on the coding strand, the reverse complement: CSDE1 is on the minus strand); deleting any 5 consecutive bases within chr1:114,736,782-114,736,791 gives the same sequence; the c. name uses the placement nearest the transcript's 3' end. VCF-style (leftmost placement, unchanged base first): chr1-114736781-GTTTAT-G. GRCh37 (hg19) VCF-style: chr1-115279402-GTTTAT-G.
Other names: c.517_521del, p.Ile173fs (NM_001130523.3); c.610_614del, p.Ile204fs (NM_001242891.2); c.472_476del, p.Ile158fs (NM_001242892.2); c.379_383del, p.Ile127fs (NM_001242893.2, NM_007158.6); short protein forms I127fs, I158fs, I173fs, I204fs.
Identifiers: ClinVar variation 4293955 (VCV004293955.1).

ClinVar aggregate classification (germline): Likely pathogenic (1 of 4 stars; one submission).

Conditions:
CSDE1-related neurodevelopmental disorder.

Submission:

3billion
Classification: Likely pathogenic for CSDE1-related neurodevelopmental disorder. Last evaluated: 2024-06-19. Review status: criteria provided, single submitter. Criteria: ACMG Guidelines, 2015. Collection method: clinical testing. Allele origin: germline. Affected: yes.
Comment: The variant is not observed in the gnomAD v4.0.0 dataset. Predicted Consequence/Location: Frameshift: predicted to result in a loss or disruption of normal protein function through nonsense-mediated decay (NMD) or protein truncation. Multiple pathogenic variants are reported downstream of the variant. Therefore, this variant is classified as VUS according to the recommendation of ACMG/AMP guideline.